The following is an entry in ClinVar:

ClinVar aggregate classification (germline): Likely pathogenic (1 of 4 stars; one submission).

Conditions:
Hereditary cancer-predisposing syndrome. Also called: Neoplastic Syndromes, Hereditary; Tumor predisposition; Hereditary neoplastic syndrome; Hereditary Cancer Syndrome. Identifiers: Orphanet 140162, MedGen C0027672, MeSH D009386, MONDO:0015356.

Submission:

Ambry Genetics
Classification: Likely pathogenic for Hereditary cancer-predisposing syndrome. Last evaluated: 2026-07-06. Review status: criteria provided, single submitter. Criteria: Ambry Variant Classification Scheme 2023. Collection method: clinical testing. Allele origin: germline.
Comment: The c.6347_6348delAT variant, located in coding exon 15 of the APC gene, results from a deletion of two nucleotides at nucleotide positions 6347 to 6348, causing a translational frameshift with a predicted alternate stop codon (p.H2116Pfs*10). This variant occurs at the 3' terminus of the gene, is not expected to trigger nonsense-mediated mRNA decay, and impacts the last 26% of the protein. However, premature stop codons are typically deleterious in nature and a significant portion of the protein is affected and the impacted region is critical for protein function (Ambry internal data). This variant is considered to be rare based on population cohorts in the Genome Aggregation Database (gnomAD). Based on the majority of available evidence to date, this variant is likely to be pathogenic.

NM_000038.6(APC):c.6347_6348del (p.His2116fs)

Gene: APC (APC regulator of Wnt signaling pathway; plus strand). Cytogenetic location: 5q22.2.
Variant type: Deletion.
Coding change: c.6347_6348del on transcript NM_000038.6 (MANE Select); coding-DNA positions 6347 to 6348, 2 bases deleted (AT; older notation c.6347_6348delAT).
Protein change: p.His2116fs; shifts the reading frame from histidine 2116.
Molecular consequence: frameshift variant. On other transcripts: non-coding transcript variant (2).
Genome position (GRCh38, 1-based): chr5:112,841,941-112,841,942, AT deleted. VCF-style (leftmost placement, unchanged base first): chr5-112841940-CAT-C. GRCh37 (hg19) VCF-style: chr5-112177637-CAT-C.
Other names: c.6263_6264del, p.His2088fs (NM_001354899.2); c.6224_6225del, p.His2075fs (NM_001354900.2); c.6170_6171del, p.His2057fs (NM_001354901.2, NM_001407453.1); c.6074_6075del, p.His2025fs (NM_001354902.2); c.6044_6045del, p.His2015fs (NM_001354903.2, NM_001407458.1, NM_001407459.1 and 1 more transcripts); c.5969_5970del, p.His1990fs (NM_001354904.2); c.5867_5868del, p.His1956fs (NM_001354905.2); c.5498_5499del, p.His1833fs (NM_001354906.2, NM_001407470.1); and 11 more; short protein forms H1956fs, H1987fs, H2057fs, H2075fs, H2088fs, H2106fs, H1990fs, H2025fs.
Identifiers: ClinVar variation 5024854 (VCV005024854.1).